The following is an entry in ClinVar:

ClinVar aggregate classification (germline): Uncertain significance. Review status: criteria provided, multiple submitters, no conflicts (2 of 4 stars). 2 submissions from 2 submitters: Uncertain significance (2). Last evaluated 2025-01-07.

Conditions:
EGFR-related lung cancer (EGFR). Identifiers: MedGen CN130014.
Hereditary cancer-predisposing syndrome. Also called: Tumor predisposition; Hereditary neoplastic syndrome; Hereditary Cancer Syndrome; Neoplastic Syndromes, Hereditary. Identifiers: Orphanet 140162, MedGen C0027672, MeSH D009386, MONDO:0015356.

Submissions (2):

Ambry Genetics
Classification: Uncertain significance for Hereditary cancer-predisposing syndrome. Last evaluated: 2025-01-07. Review status: criteria provided, single submitter. Criteria: Ambry Variant Classification Scheme 2023. Collection method: clinical testing. Allele origin: germline.
Comment: The p.I941V variant (also known as c.2821A>G), located in coding exon 23 of the EGFR gene, results from an A to G substitution at nucleotide position 2821. The isoleucine at codon 941 is replaced by valine, an amino acid with highly similar properties. This amino acid position is highly conserved in available vertebrate species. In addition, the in silico prediction for this alteration is inconclusive. Based on the available evidence, the clinical significance of this variant remains unclear.

Labcorp Genetics (formerly Invitae), Labcorp
Classification: Uncertain significance for EGFR-related lung cancer. Last evaluated: 2023-08-10. Review status: criteria provided, single submitter. Criteria: Invitae Variant Classification Sherloc (09022015). Collection method: clinical testing. Allele origin: germline.
Comment: This variant has not been reported in the literature in individuals affected with EGFR-related conditions. In summary, the available evidence is currently insufficient to determine the role of this variant in disease. Therefore, it has been classified as a Variant of Uncertain Significance. Advanced modeling of protein sequence and biophysical properties (such as structural, functional, and spatial information, amino acid conservation, physicochemical variation, residue mobility, and thermodynamic stability) has been performed at Invitae for this missense variant, however the output from this modeling did not meet the statistical confidence thresholds required to predict the impact of this variant on EGFR protein function. This variant is not present in population databases (gnomAD no frequency). This sequence change replaces isoleucine, which is neutral and non-polar, with valine, which is neutral and non-polar, at codon 941 of the EGFR protein (p.Ile941Val).

NM_005228.5(EGFR):c.2821A>G (p.Ile941Val)

Gene: EGFR (epidermal growth factor receptor; plus strand). Cytogenetic location: 7p11.2.
Variant type: single nucleotide variant.
Coding change: c.2821A>G on transcript NM_005228.5 (MANE Select); coding-DNA position 2821, A replaced by G.
Protein change: p.Ile941Val; replaces isoleucine 941 with valine.
Molecular consequence: missense variant.
Genome position (GRCh38, 1-based): chr7:55,198,836, A>G. VCF-style: chr7-55198836-A-G. GRCh37 (hg19) VCF-style: chr7-55266529-A-G.
Other names: c.2686A>G, p.Ile896Val (NM_001346897.2, NM_001346899.2); c.2821A>G, p.Ile941Val (NM_001346898.2); c.2662A>G, p.Ile888Val (NM_001346900.2); c.2020A>G, p.Ile674Val (NM_001346941.2); short protein forms I941V, I896V, I888V, I674V.
Identifiers: ClinVar variation 3023650 (VCV003023650.4), dbSNP rs2128968878, ClinGen allele CA367581427.